The following is an entry in ClinVar:

ClinVar aggregate classification (germline): Pathogenic/Likely pathogenic. Review status: criteria provided, multiple submitters, no conflicts (2 of 4 stars). 2 submissions from 2 submitters: Pathogenic (1); Likely pathogenic (1). Last evaluated 2024-04-29.

Conditions:
Facioscapulohumeral muscular dystrophy 2 (FSHD2). Also called: FACIOSCAPULOHUMERAL MUSCULAR DYSTROPHY 2, DIGENIC; FSHD2, DIGENIC; MUSCULAR DYSTROPHY, FACIOSCAPULOHUMERAL, TYPE 1B. Identifiers: Orphanet 269, MedGen C1834671, MONDO:0008031, OMIM 158901.

Submissions (2):

Labcorp Genetics (formerly Invitae), Labcorp
Classification: Pathogenic for Facioscapulohumeral muscular dystrophy 2. Last evaluated: 2024-04-29. Review status: criteria provided, single submitter. Criteria: Invitae Variant Classification Sherloc (09022015). Collection method: clinical testing. Allele origin: germline.
Comment: This sequence change creates a premature translational stop signal (p.Lys726Glyfs*64) in the SMCHD1 gene. It is expected to result in an absent or disrupted protein product. Loss-of-function variants in SMCHD1 are known to be pathogenic (PMID: 23143600). This variant is not present in population databases (gnomAD no frequency). This variant has not been reported in the literature in individuals affected with SMCHD1-related conditions. ClinVar contains an entry for this variant (Variation ID: 2433629). For these reasons, this variant has been classified as Pathogenic.

Revvity Omics, Revvity
Classification: Likely pathogenic. Last evaluated: 2021-11-24. Review status: criteria provided, single submitter. Criteria: ACMG Guidelines, 2015. Collection method: clinical testing. Allele origin: germline.

Literature cited by the submitters: PubMed 23143600 (cited by Labcorp Genetics (formerly Invitae), Labcorp).

NM_015295.3(SMCHD1):c.2176_2179del (p.Lys726fs)

Gene: SMCHD1 (structural maintenance of chromosomes flexible hinge domain containing 1; plus strand). Cytogenetic location: 18p11.32.
Variant type: Deletion.
Coding change: c.2176_2179del on transcript NM_015295.3 (MANE Select); coding-DNA positions 2176 to 2179, 4 bases deleted (AAAG; older notation c.2176_2179delAAAG).
Protein change: p.Lys726fs; shifts the reading frame from lysine 726.
Molecular consequence: frameshift variant.
Genome position (GRCh38, 1-based): chr18:2,707,836-2,707,839, AAAG deleted. VCF-style (leftmost placement, unchanged base first): chr18-2707835-AAAAG-A. GRCh37 (hg19) VCF-style: chr18-2707833-AAAAG-A.
Other names: short protein forms K726fs.
Identifiers: ClinVar variation 2433629 (VCV002433629.5), dbSNP rs2510041967, ClinGen allele CA2580095407.
Genomic context (GRCh38, chr18:2,707,835, plus strand): 5'-TAATTAAGATACTTTTAATTTTTGACTCATAGGTGCGTTAAGAATTGAAATACTGAATAA[AAAAG>A]GGGAAGCAATGCAAAAGCTTCCAGGAACAAGCCATGGAGGGTCAAAGAAACTCCTGGTTG-3'